The following is an entry in ClinVar:

NM_012281.3(KCND2):c.1042G>A (p.Gly348Arg)

Gene: KCND2 (potassium voltage-gated channel subfamily D member 2; plus strand). Cytogenetic location: 7q31.31.
Variant type: single nucleotide variant.
Coding change: c.1042G>A on transcript NM_012281.3 (MANE Select); coding-DNA position 1042, G replaced by A.
Protein change: p.Gly348Arg; replaces glycine 348 with arginine.
Molecular consequence: missense variant.
Genome position (GRCh38, 1-based): chr7:120,275,674, G>A. VCF-style: chr7-120275674-G-A. GRCh37 (hg19) VCF-style: chr7-119915728-G-A.
Other names: short protein forms G348R.
Identifiers: ClinVar variation 3113140 (VCV003113140.1), dbSNP rs775882947, ClinGen allele CA4453566.

ClinVar aggregate classification (germline): Uncertain significance (1 of 4 stars; one submission).

Conditions:
Inborn genetic diseases. Identifiers: MedGen C0950123, MeSH D030342.

Allele frequency attached by ClinVar (database versions not stated): gnomAD exomes below 0.00001; ExAC 0.00001.
gnomAD v4.1: 2 of 1,603,160 alleles (0.00012%); highest among the groups gnomAD compares: Non-Finnish European, 0.00017%; no homozygotes.

Submission:

Ambry Genetics
Classification: Uncertain significance for Inborn genetic diseases. Last evaluated: 2024-01-29. Review status: criteria provided, single submitter. Criteria: Ambry Variant Classification Scheme 2023. Collection method: clinical testing. Allele origin: germline.
Comment: The c.1042G>A (p.G348R) alteration is located in exon 1 (coding exon 1) of the KCND2 gene. This alteration results from a G to A substitution at nucleotide position 1042, causing the glycine (G) at amino acid position 348 to be replaced by an arginine (R). Based on data from gnomAD, the A allele has an overall frequency of <0.001% (1/242826) total alleles studied. The highest observed frequency was 0.001% (1/113236) of European (non-Finnish) alleles. This amino acid position is highly conserved in available vertebrate species. This missense alteration is located in a region that has a low rate of benign missense variation (Lek, 2016; Firth, 2009). This alteration is predicted to be deleterious by in silico analysis. Based on insufficient or conflicting evidence, the clinical significance of this alteration remains unclear.